The following is an entry in ClinVar:

NM_022166.4(XYLT1):c.4G>A (p.Val2Met)

Gene: XYLT1 (xylosyltransferase 1; minus strand). Cytogenetic location: 16p12.3.
Variant type: single nucleotide variant.
Coding change: c.4G>A on transcript NM_022166.4 (MANE Select); coding-DNA position 4, G replaced by A.
Protein change: p.Val2Met; replaces valine 2 with methionine.
Molecular consequence: missense variant.
Genome position (GRCh38, 1-based): chr16:17,470,793, C>T on the plus strand (G>A on the coding strand, the complement: XYLT1 is on the minus strand). VCF-style: chr16-17470793-C-T. GRCh37 (hg19) VCF-style: chr16-17564650-C-T.
Other names: short protein forms V2M.
Identifiers: ClinVar variation 951034 (VCV000951034.9), dbSNP rs1567216029, ClinGen allele CA395220589.

ClinVar aggregate classification (germline): Uncertain significance (1 of 4 stars; one submission).

Conditions:
Desbuquois dysplasia 1 (DBQD1). Also called: MICROMELIC DWARFISM WITH VERTEBRAL AND METAPHYSEAL ABNORMALITIES AND ADVANCED CARPOTARSAL OSSIFICATION; DESBUQUOIS DYSPLASIA 1, KIM VARIANT. Identifiers: Orphanet 1425, MedGen C4012146, MONDO:0009629, OMIM 251450.

Allele frequency attached by ClinVar (database versions not stated): TOPMed below 0.00001.

Submission:

Labcorp Genetics (formerly Invitae), Labcorp
Classification: Uncertain significance for Desbuquois dysplasia 1. Last evaluated: 2019-08-26. Review status: criteria provided, single submitter. Criteria: Invitae Variant Classification Sherloc (09022015). Collection method: clinical testing. Allele origin: germline.
Comment: In summary, the available evidence is currently insufficient to determine the role of this variant in disease. Therefore, it has been classified as a Variant of Uncertain Significance. Algorithms developed to predict the effect of missense changes on protein structure and function are either unavailable or do not agree on the potential impact of this missense change (SIFT: "Tolerated"; PolyPhen-2: "Not Available"; Align-GVGD: "Class C0"). This variant has not been reported in the literature in individuals with XYLT1-related conditions. The frequency data for this variant in the population databases is considered unreliable, as metrics indicate insufficient coverage at this position in the ExAC database. This sequence change replaces valine with methionine at codon 2 of the XYLT1 protein (p.Val2Met). The valine residue is weakly conserved and there is a small physicochemical difference between valine and methionine.